The following is an entry in ClinVar:

NM_006899.5(IDH3B):c.74G>A (p.Gly25Asp)

Gene: IDH3B (isocitrate dehydrogenase (NAD(+)) 3 non-catalytic subunit beta; minus strand). Cytogenetic location: 20p13.
Variant type: single nucleotide variant.
Coding change: c.74G>A on transcript NM_006899.5 (MANE Select); coding-DNA position 74, G replaced by A.
Protein change: p.Gly25Asp; replaces glycine 25 with aspartic acid.
Molecular consequence: missense variant. On other transcripts: non-coding transcript variant (1).
Genome position (GRCh38, 1-based): chr20:2,663,968, C>T on the plus strand (G>A on the coding strand, the complement: IDH3B is on the minus strand). VCF-style: chr20-2663968-C-T. GRCh37 (hg19) VCF-style: chr20-2644614-C-T.
Other names: c.74G>A, p.Gly25Asp (NM_001258384.3, NM_001330763.2, NM_174855.4); short protein forms G25D.
Identifiers: ClinVar variation 618176 (VCV000618176.33), dbSNP rs113021673, ClinGen allele CA9735421.
Genomic context (GRCh38, chr20:2,663,968, plus strand): 5'-GCCAGATTCGTGCATACCTGGCTCCGCGATGCAGCGTGCGCCGCGGCCGAGGTACTCAGA[C>T]CTCTCCATGCCCCAGGGTTCCCGGCGGAGACCAGCGCCTGCAACAGGGACACACAAGCCT-3'
Protein context (NP_008830.2, residues 15-35): VSAGNPGAWR[Gly25Asp]LSTSAAAHAA

ClinVar aggregate classification (germline): Likely benign. Review status: criteria provided, multiple submitters, no conflicts (2 of 4 stars). 8 submissions from 8 submitters: Likely benign (5). 3 of the submissions do not count toward it. Last evaluated 2026-01-28.

Conditions:
IDH3B-related disorder. Also called: IDH3B-related condition.

Allele frequency attached by ClinVar (database versions not stated): gnomAD exomes 0.00026 and 0.00065; ExAC 0.00076; gnomAD 0.00252 and 0.00266; ESP Exome Variant Server 0.00269; TOPMed 0.00287; 1000 Genomes Project 0.00399; 1000 Genomes Project 30x 0.00468.
gnomAD v4.1: 791 of 1,614,170 alleles (0.049%); highest among the groups gnomAD compares: African/African-American, 0.83%; 8 homozygotes.

Submissions (8):

Labcorp Genetics (formerly Invitae), Labcorp
Classification: Likely benign. Last evaluated: 2026-01-28. Review status: criteria provided, single submitter. Criteria: Invitae Variant Classification Sherloc (09022015). Collection method: clinical testing. Allele origin: germline.

CeGaT Center for Human Genetics Tuebingen
Classification: Likely benign. Last evaluated: 2025-04-01. Review status: criteria provided, single submitter. Criteria: CeGaT Center For Human Genetics Tuebingen Variant Classification Criteria Version 2. Collection method: clinical testing. Allele origin: germline. Affected: yes. Observed: 1 variant allele.
Comment: IDH3B: BS2

Blueprint Genetics
Classification: Likely benign. Last evaluated: 2024-09-18. Review status: criteria provided, single submitter. Criteria: ACMG Guidelines, 2015. Collection method: clinical testing. Allele origin: germline.

ARUP Laboratories, Molecular Genetics and Genomics, ARUP Laboratories
Classification: Likely benign. Last evaluated: 2017-06-07. Review status: criteria provided, single submitter. Criteria: ARUP Molecular Germline Variant Investigation Process. Collection method: clinical testing. Allele origin: germline.
Comment: The IDH3B c.74G>A;p.Gly25Asp variant (rs113021673) is listed in the Exome Variant Server with an allele frequency of 0.7944 percent (35/4371 alleles) in the African American population and in the Genome Aggregation Database with an allele frequency of 0.9083 percent (218/24000 alleles, 4 homozygotes) in the African population. The amino acid at this position is weakly conserved across species and computational algorithms (AlignGVGD, PolyPhen2, SIFT) predict this variant is tolerated. Considering available information, this variant is classified as likely benign.

Breakthrough Genomics
Classification: Likely benign. Review status: criteria provided, single submitter. Criteria: ACMG Guidelines, 2015. Collection method: not provided. Allele origin: germline. Inheritance: Autosomal recessive inheritance. Affected: yes.

PreventionGenetics, part of Exact Sciences
Classification: Benign for IDH3B-related condition. Last evaluated: 2019-08-28. Review status: no assertion criteria provided. Collection method: clinical testing. Allele origin: germline. Not counted in ClinVar's aggregate classification.
Comment: This variant is classified as benign based on ACMG/AMP sequence variant interpretation guidelines (Richards et al. 2015 PMID: 25741868, with internal and published modifications).

Clinical Genetics DNA and cytogenetics Diagnostics Lab, Erasmus MC, Erasmus Medical Center
Classification: Likely benign. Review status: no assertion criteria provided. Collection method: clinical testing. Allele origin: germline. Affected: yes. Study: VKGL Data-share Consensus. Not counted in ClinVar's aggregate classification.

Clinical Genetics, Academic Medical Center
Classification: Likely benign. Review status: no assertion criteria provided. Collection method: clinical testing. Allele origin: germline. Affected: yes. Study: VKGL Data-share Consensus. Not counted in ClinVar's aggregate classification.